The following is an entry in ClinVar:

NM_001122769.3(LCA5):c.367C>T (p.Gln123Ter)

Gene: LCA5 (lebercilin LCA5; minus strand). Cytogenetic location: 6q14.1.
Variant type: single nucleotide variant.
Coding change: c.367C>T on transcript NM_001122769.3 (MANE Select); coding-DNA position 367, C replaced by T.
Protein change: p.Gln123Ter; replaces glutamine 123 with a stop codon.
Molecular consequence: nonsense.
Genome position (GRCh38, 1-based): chr6:79,513,565, G>A on the plus strand (C>T on the coding strand, the complement: LCA5 is on the minus strand). VCF-style: chr6-79513565-G-A. GRCh37 (hg19) VCF-style: chr6-80223282-G-A.
Other names: c.367C>T, p.Gln123Ter (NM_181714.4); short protein forms Q123*.
Identifiers: ClinVar variation 1454319 (VCV001454319.6), dbSNP rs2127680192, ClinGen allele CA364629323.

ClinVar aggregate classification (germline): Pathogenic (1 of 4 stars; one submission).

Allele frequency attached by ClinVar (database versions not stated): gnomAD exomes below 0.00001.

Submission:

Labcorp Genetics (formerly Invitae), Labcorp
Classification: Pathogenic. Last evaluated: 2021-11-05. Review status: criteria provided, single submitter. Criteria: Invitae Variant Classification Sherloc (09022015). Collection method: clinical testing. Allele origin: germline.
Comment: For these reasons, this variant has been classified as Pathogenic. This premature translational stop signal has been observed in individual(s) with inherited retinal dystrophy (PMID: 23946133). This variant is not present in population databases (gnomAD no frequency). This sequence change creates a premature translational stop signal (p.Gln123*) in the LCA5 gene. It is expected to result in an absent or disrupted protein product. Loss-of-function variants in LCA5 are known to be pathogenic (PMID: 17546029, 23946133).

Literature cited by the submitters: PubMed 23946133; PubMed 17546029.